The following is an entry in ClinVar:

ClinVar aggregate classification (germline): Uncertain significance (1 of 4 stars; one submission).

Conditions:
STING-associated vasculopathy with onset in infancy. Also called: Sting-associated vasculopathy, infantile-onset. Identifiers: Orphanet 425120, MedGen C4014722, MONDO:0014405, OMIM 615934.

Allele frequency attached by ClinVar (database versions not stated): TOPMed below 0.00001; gnomAD exomes below 0.00001; gnomAD 0.00001.

Submission:

Labcorp Genetics (formerly Invitae), Labcorp
Classification: Uncertain significance for STING-associated vasculopathy with onset in infancy. Last evaluated: 2022-07-25. Review status: criteria provided, single submitter. Criteria: Invitae Variant Classification Sherloc (09022015). Collection method: clinical testing. Allele origin: germline.
Comment: This sequence change replaces isoleucine, which is neutral and non-polar, with asparagine, which is neutral and polar, at codon 132 of the TMEM173 protein (p.Ile132Asn). This variant is present in population databases (no rsID available, gnomAD 0.003%). This variant has not been reported in the literature in individuals affected with TMEM173-related conditions. Algorithms developed to predict the effect of missense changes on protein structure and function are either unavailable or do not agree on the potential impact of this missense change (SIFT: "Tolerated"; PolyPhen-2: "Probably Damaging"; Align-GVGD: "Class C0"). In summary, the available evidence is currently insufficient to determine the role of this variant in disease. Therefore, it has been classified as a Variant of Uncertain Significance.

NM_198282.4(STING1):c.395T>A (p.Ile132Asn)

Genes: STING1 (stimulator of interferon response cGAMP interactor 1; minus strand), LOC123522803 (Sharpr-MPRA regulatory region 11914; plus strand). Cytogenetic location: 5q31.2.
Variant type: single nucleotide variant.
Coding change: c.395T>A on transcript NM_198282.4 (MANE Select); coding-DNA position 395, T replaced by A.
Protein change: p.Ile132Asn; replaces isoleucine 132 with asparagine.
Molecular consequence: missense variant.
Genome position (GRCh38, 1-based): chr5:139,481,175, A>T on the plus strand (T>A on the coding strand, the complement: STING1 is on the minus strand). VCF-style: chr5-139481175-A-T. GRCh37 (hg19) VCF-style: chr5-138860760-A-T.
Other names: c.395T>A, p.Ile132Asn (NM_001301738.2); c.38T>A, p.Ile13Asn (NM_001367258.1); short protein forms I132N, I13N.
Identifiers: ClinVar variation 2072020 (VCV002072020.1), dbSNP rs1346414429, ClinGen allele CA361481188.
Genomic context (GRCh38, chr5:139,481,175, plus strand): 5'-CAGCCACCACTTGGCCAGAGCTTCTACCTCCCCCTGTGTCATACCTTGAGGCCCAGGAGG[A>T]TGTTCAGTGCCTGCGAGAGGCCCAGGAGGGCAAGCATCCAAGTGAAGGGCGGGCCGACCG-3'
Protein context (NP_938023.1, residues 122-142): ALLGLSQALN[Ile132Asn]LLGLKGLAPA